The following is an entry in ClinVar:

NM_001127222.2(CACNA1A):c.631+5G>A

Gene: CACNA1A (calcium voltage-gated channel subunit alpha1 A; minus strand). Cytogenetic location: 19p13.13.
Variant type: single nucleotide variant.
Coding change: c.631+5G>A on transcript NM_001127222.2 (MANE Select); 5 bases into the intron after coding-DNA position 631, G replaced by A.
Molecular consequence: intron variant.
Genome position (GRCh38, 1-based): chr19:13,371,683, C>T on the plus strand (G>A on the coding strand, the complement: CACNA1A is on the minus strand). VCF-style: chr19-13371683-C-T. GRCh37 (hg19) VCF-style: chr19-13482497-C-T.
Other names: c.631+5G>A (NM_000068.2, NM_001127221.2, NM_001174080.2 and 3 more transcripts).
Identifiers: ClinVar variation 187829 (VCV000187829.60), dbSNP rs786200963, ClinGen allele CA274488.

ClinVar aggregate classification (germline): Conflicting classifications of pathogenicity. Review status: criteria provided, conflicting classifications (1 of 4 stars). 9 submissions from 9 submitters: Pathogenic (1); Likely pathogenic (3); Uncertain significance (3). 2 of the submissions do not count toward it. Last evaluated 2026-02-12.

Conditions:
CACNA1A-related disorder. Also called: CACNA1A-related condition.
Episodic ataxia type 2 (EA2). Also called: ACETAZOLAMIDE-RESPONSIVE HEREDITARY PAROXYSMAL CEREBELLAR ATAXIA; ATAXIA, EPISODIC, WITH NYSTAGMUS; ATAXIA, FAMILIAL PAROXYSMAL; CEREBELLAR ATAXIA, PAROXYSMAL, ACETAZOLAMIDE-RESPONSIVE; CEREBELLOPATHY, HEREDITARY PAROXYSMAL; EPISODIC ATAXIA, NYSTAGMUS-ASSOCIATED. Identifiers: Orphanet 97, MedGen C1720416, MONDO:0007163, OMIM 108500.
Developmental and epileptic encephalopathy, 42 (DEE42A). Also called: Epileptic encephalopathy, early infantile, 42; DEVELOPMENTAL AND EPILEPTIC ENCEPHALOPATHY 42A; EPILEPTIC ENCEPHALOPATHY, EARLY INFANTILE, 42A. Identifiers: MedGen C4310716, MONDO:0014917, OMIM 617106.

Allele frequency attached by ClinVar (database versions not stated): gnomAD exomes below 0.00001.
gnomAD v4.1: 1 of 1,565,026 alleles (0.000064%); highest among the groups gnomAD compares: Non-Finnish European, 0.000087%; no homozygotes.

Submissions (9):

GeneDx
Classification: Pathogenic. Last evaluated: 2026-02-12. Review status: criteria provided, single submitter. Criteria: GeneDx Variant Classification Process June 2021. Collection method: clinical testing. Allele origin: germline.
Comment: Reported previously in a patient with episodic ataxia (PMID: 37177896); Intronic variant directly or indirectly altering the +5 splice site in a gene for which loss of function is a known mechanism of disease, and splice predictors support a deleterious effect; Not observed at significant frequency in large population cohorts (gnomAD); This variant is associated with the following publications: (PMID: 25735478, 33349592, 37177896)

PreventionGenetics, part of Exact Sciences
Classification: Likely pathogenic for CACNA1A-related condition. Last evaluated: 2025-11-06. Review status: criteria provided, single submitter. Criteria: ACMG Guidelines, 2015. Collection method: clinical testing. Allele origin: germline.
Comment: The CACNA1A c.631+5G>A variant is predicted to interfere with splicing. Based on available splicing prediction programs (Alamut Visual v1.6.1; SpliceAI, Jaganathan et al. 2019. PubMed ID: 30661751), this variant is predicted to abolish the consensus splice donor site. This variant has been reported in three patients with episodic ataxia from two different families with RNA studies finding that this variant results in skipping of exon 4 and premature protein termination (described as c.868+5G>A, Damaj et al. 2015. PubMed ID: 25735478; Riant et al. 2023. PubMed ID: 37177896). This variant has not been reported in a large population database (gnomAD), indicating this variant is rare. This variant is interpreted as likely pathogenic.

Institute of Medical Genetics and Applied Genomics, University Hospital Tübingen
Classification: Likely pathogenic for Episodic ataxia type 2. Last evaluated: 2024-10-14. Review status: criteria provided, single submitter. Criteria: ACMG Guidelines, 2015. Collection method: clinical testing. Allele origin: germline. Inheritance: Autosomal dominant inheritance. Affected: yes.

Labcorp Genetics (formerly Invitae), Labcorp
Classification: Uncertain significance for Developmental and epileptic encephalopathy, 42; Episodic ataxia type 2. Last evaluated: 2022-11-08. Review status: criteria provided, single submitter. Criteria: Invitae Variant Classification Sherloc (09022015). Collection method: clinical testing. Allele origin: germline.
Comment: This sequence change falls in intron 4 of the CACNA1A gene. It does not directly change the encoded amino acid sequence of the CACNA1A protein. It affects a nucleotide within the consensus splice site. This variant is not present in population databases (gnomAD no frequency). This variant has been observed in individual(s) with episodic ataxia (Invitae). It has also been observed to segregate with disease in related individuals. ClinVar contains an entry for this variant (Variation ID: 187829). Variants that disrupt the consensus splice site are a relatively common cause of aberrant splicing (PMID: 17576681, 9536098). Algorithms developed to predict the effect of sequence changes on RNA splicing suggest that this variant may disrupt the consensus splice site. In summary, the available evidence is currently insufficient to determine the role of this variant in disease. Therefore, it has been classified as a Variant of Uncertain Significance.

Athena Diagnostics
Classification: Uncertain significance. Last evaluated: 2021-11-30. Review status: criteria provided, single submitter. Criteria: Athena Diagnostics Criteria. Collection method: clinical testing. Allele origin: unknown.

Illumina Laboratory Services, Illumina
Classification: Likely pathogenic for CACNA1A-Related Disorders. Last evaluated: 2021-03-31. Review status: criteria provided, single submitter. Criteria: ICSLVariantClassificationCriteria RUGD 01 April 2020. Collection method: clinical testing. Allele origin: unknown.
Comment: Another variant at the same nucleotide position has also been reported in two individuals with CACNA1A-related disorders (Gur-Hartman et al. 2021). The c.631+5G>A variant is not found in the Genome Aggregation Database in a region of good sequence coverage, so the variant is presumed to be rare. Based on the collective evidence, the c.631+5G>A variant is classified as likely pathogenic for CACNA1A-related disorders.

CeGaT Center for Human Genetics Tuebingen
Classification: Uncertain significance. Last evaluated: 2019-04-01. Review status: criteria provided, single submitter. Criteria: CeGaT Center For Human Genetics Tuebingen Variant Classification Criteria Version 2. Collection method: clinical testing. Allele origin: germline. Affected: yes. Observed: 3 variant alleles.

Undiagnosed Diseases Network, NIH
Classification: Likely pathogenic for CACNA1A-related condition. Last evaluated: 2024-05-10. Review status: no assertion criteria provided. Collection method: clinical testing. Allele origin: de novo. Affected: yes. Observed: 1 variant allele, 1 heterozygote. Study: Undiagnosed Diseases Network (NIH), UDN. Not counted in ClinVar's aggregate classification.

E. Rossignol Lab, CHU Ste-Justine, Universite de Montreal
Classification: Likely pathogenic for Episodic ataxia type 2. Last evaluated: 2014-11-25. Review status: no assertion criteria provided. Criteria: clinical testing. Collection method: clinical testing. Allele origin: maternal, unknown. Affected: yes. Observed: 2 heterozygotes. Clinical features observed: episodic ataxia, febrile seizures, mild intellectual disability, ADHD, down-beat nystagmus, learning difficulties, progressive spinocerebellar ataxia. Not counted in ClinVar's aggregate classification.

Literature cited by the submitters: PubMed 17576681 (cited by Labcorp Genetics (formerly Invitae), Labcorp); PubMed 9536098 (cited by Labcorp Genetics (formerly Invitae), Labcorp); PubMed 25735478 (cited by 3 submitters); PubMed 33349592 (cited by Illumina Laboratory Services, Illumina).